The following is an entry in ClinVar:

ClinVar aggregate classification (germline): Benign. Review status: criteria provided, single submitter (1 of 4 stars). 2 submissions from 2 submitters: Benign (1). 1 of the submissions does not count toward it. Last evaluated 2024-03-29.

Conditions:
DOCK6-related disorder. Also called: DOCK6-related condition.

Allele frequency attached by ClinVar (database versions not stated): gnomAD below 0.00001 and 0.00009; TOPMed 0.00001; gnomAD exomes 0.00037; 1000 Genomes Project 0.00040; ExAC 0.00042; 1000 Genomes Project 30x 0.00047.

Submissions (2):

Labcorp Genetics (formerly Invitae), Labcorp
Classification: Benign. Last evaluated: 2024-03-29. Review status: criteria provided, single submitter. Criteria: Invitae Variant Classification Sherloc (09022015). Collection method: clinical testing. Allele origin: germline.

PreventionGenetics, part of Exact Sciences
Classification: Likely benign for DOCK6-related condition. Last evaluated: 2019-05-23. Review status: no assertion criteria provided. Collection method: clinical testing. Allele origin: germline. Not counted in ClinVar's aggregate classification.
Comment: This variant is classified as likely benign based on ACMG/AMP sequence variant interpretation guidelines (Richards et al. 2015 PMID: 25741868, with internal and published modifications).

NM_020812.4(DOCK6):c.5832+4C>T

Gene: DOCK6 (dedicator of cytokinesis 6; minus strand). Cytogenetic location: 19p13.2.
Variant type: single nucleotide variant.
Coding change: c.5832+4C>T on transcript NM_020812.4 (MANE Select); 4 bases into the intron after coding-DNA position 5832, C replaced by T.
Molecular consequence: intron variant.
Genome position (GRCh38, 1-based): chr19:11,200,905, G>A on the plus strand (C>T on the coding strand, the complement: DOCK6 is on the minus strand). VCF-style: chr19-11200905-G-A. GRCh37 (hg19) VCF-style: chr19-11311581-G-A.
Other names: c.5937+4C>T (NM_001367830.1).
Identifiers: ClinVar variation 798660 (VCV000798660.12), dbSNP rs572880984, ClinGen allele CA9206336.
Genomic context (GRCh38, chr19:11,200,905, plus strand): 5'-GAGCCAGCCTGCATGGCACCTGGAGTCCCCCGTGCGGCTTGCATCCCCCTTCCACCAGCC[G>A]TGCCTGGTTCACGGTGGGCCCTACAGAGCCCTGAAGCACCATCTGTAGCATCTTAGCATC-3'